The following is an entry in ClinVar:

NM_006648.4(WNK2):c.5210A>T (p.Asp1737Val)

Gene: WNK2 (WNK lysine deficient protein kinase 2; plus strand). Cytogenetic location: 9q22.31.
Variant type: single nucleotide variant.
Coding change: c.5210A>T on transcript NM_006648.4 (MANE Select); coding-DNA position 5210, A replaced by T.
Protein change: p.Asp1737Val; replaces aspartic acid 1737 with valine.
Molecular consequence: missense variant.
Genome position (GRCh38, 1-based): chr9:93,292,675, A>T. VCF-style: chr9-93292675-A-T. GRCh37 (hg19) VCF-style: chr9-96054957-A-T.
Other names: c.5321A>T, p.Asp1774Val (NM_001282394.3); short protein forms D1737V, D1774V.
Identifiers: ClinVar variation 4201942 (VCV004201942.2).
Genomic context (GRCh38, chr9:93,292,675, plus strand): 5'-ACCCCCAGACACTCGGCGCTCGAGCTTTGGGGTCCCCTCGGAAACGTCCAGAGCAGCAGG[A>T]TGTCAGCTCACCAGCCAAGACTGTGGGCCGTTTCTCGGTGGTCAGCACTCAGGACGAGTG-3'
Protein context (NP_006639.3, residues 1727-1747): GSPRKRPEQQ[Asp1737Val]VSSPAKTVGR

ClinVar aggregate classification (germline): Uncertain significance (1 of 4 stars; one submission).

Submission:

Ambry Genetics
Classification: Uncertain significance. Last evaluated: 2026-05-30. Review status: criteria provided, single submitter. Criteria: Ambry Variant Classification Scheme 2023. Collection method: clinical testing. Allele origin: germline.
Comment: The p.D1737V variant (also known as c.5210A>T), located in coding exon 22 of the WNK2 gene, results from an A to T substitution at nucleotide position 5210. The aspartic acid at codon 1737 is replaced by valine, an amino acid with highly dissimilar properties. This amino acid position is conserved. In addition, the in silico prediction for this alteration is inconclusive. Based on the available evidence, the clinical significance of this variant remains unclear.